The following is an entry in ClinVar:

NM_005787.6(ALG3):c.1188G>A (p.Trp396Ter)

Gene: ALG3 (ALG3 alpha-1,3- mannosyltransferase; minus strand). Cytogenetic location: 3q27.1.
Variant type: single nucleotide variant.
Coding change: c.1188G>A on transcript NM_005787.6 (MANE Select); coding-DNA position 1188, G replaced by A.
Protein change: p.Trp396Ter; replaces tryptophan 396 with a stop codon.
Molecular consequence: nonsense. On other transcripts: non-coding transcript variant (2).
Genome position (GRCh38, 1-based): chr3:184,242,643, C>T on the plus strand (G>A on the coding strand, the complement: ALG3 is on the minus strand). VCF-style: chr3-184242643-C-T. GRCh37 (hg19) VCF-style: chr3-183960431-C-T.
Other names: c.1044G>A, p.Trp348Ter (NM_001006941.2); c.1083G>A, p.Trp361Ter (NM_001006942.1); short protein forms W396*, W361*, W348*.
Identifiers: ClinVar variation 2780035 (VCV002780035.8), dbSNP rs1287098925, ClinGen allele CA355417568.
Genomic context (GRCh38, chr3:184,242,643, plus strand): 5'-GATGACGGCATGGCATATGTGCAGGGCAGCAGAGCTGCAGGATGTGGAAGGGTATGTGTT[C>T]CAGGAGAGCTCGATGAGCCCCAGCACCAACAACCTGGAGATGAGAAACAGGTTCCACGTT-3'

ClinVar aggregate classification (germline): Pathogenic/Likely pathogenic. Review status: criteria provided, multiple submitters, no conflicts (2 of 4 stars). 3 submissions from 3 submitters: Pathogenic (2); Likely pathogenic (1). Last evaluated 2025-09-09.

Conditions:
ALG3-congenital disorder of glycosylation. Also called: CARBOHYDRATE-DEFICIENT GLYCOPROTEIN SYNDROME, TYPE IV; CDGS, TYPE IV; CONGENITAL DISORDER OF GLYCOSYLATION, TYPE Id; CDG Id; ALG3-CDG. Identifiers: Orphanet 79321, MedGen C1832736, MONDO:0010998, OMIM 601110.

Allele frequency attached by ClinVar (database versions not stated): gnomAD exomes below 0.00001; TOPMed 0.00002.

Submissions (3):

Victorian Clinical Genetics Services, Murdoch Childrens Research Institute
Classification: Pathogenic for ALG3-congenital disorder of glycosylation. Last evaluated: 2025-09-09. Review status: criteria provided, single submitter. Criteria: ACMG Guidelines, 2015. Collection method: clinical testing. Allele origin: germline.
Comment: This variant is classified as Pathogenic. Evidence in support of pathogenic classification: Variant is predicted to result in a truncated protein (premature termination codon is NOT located at least 54 nucleotides upstream of the final exon-exon junction) with less than 1/3 of the protein sequence affected; Variant is present in gnomAD <0.01 for a recessive condition (v4: 3 heterozygote(s), 0 homozygote(s)); This variant has moderate previous evidence of pathogenicity in unrelated individuals. It has been classified as pathogenic by a clinical laboratory (ClinVar). This variant has also been reported in unrelated fetus's with ALG3-related features (PMID: 33187827, 39252126); Another premature termination variant comparable to the one identified in this case has limited previous evidence for pathogenicity. p.(Trp421*) has been classified as pathogenic, and reported in a homozygous individual with ALG3-related symptoms (PMID: 31067009). Additional information: This variant is heterozygous; This gene is associated with autosomal recessive disease; No published functional evidence has been identified for this variant; Variant is predicted to truncate part of the ALG3 domain (DECIPHER); Loss of function is a known mechanism of disease in this gene and is associated with congenital disorder of glycosylation, type Id (MIM#601110).

Labcorp Genetics (formerly Invitae), Labcorp
Classification: Pathogenic for ALG3-congenital disorder of glycosylation. Last evaluated: 2024-04-22. Review status: criteria provided, single submitter. Criteria: Invitae Variant Classification Sherloc (09022015). Collection method: clinical testing. Allele origin: germline.
Comment: This sequence change creates a premature translational stop signal (p.Trp396*) in the ALG3 gene. While this is not anticipated to result in nonsense mediated decay, it is expected to disrupt the last 43 amino acid(s) of the ALG3 protein. This variant is not present in population databases (gnomAD no frequency). This premature translational stop signal has been observed in individual(s) with congenital disorder of glycosylation (PMID: 33187827). Algorithms developed to predict the effect of sequence changes on RNA splicing suggest that this variant may disrupt the consensus splice site. This variant disrupts a region of the ALG3 protein in which other variant(s) (p.Trp421*) have been determined to be pathogenic (PMID: 31067009). This suggests that this is a clinically significant region of the protein, and that variants that disrupt it are likely to be disease-causing. For these reasons, this variant has been classified as Pathogenic.

Juno Genomics, Hangzhou Juno Genomics, Inc
Classification: Likely pathogenic for ALG3-congenital disorder of glycosylation. Review status: criteria provided, single submitter. Criteria: ACMG Guidelines, 2015. Collection method: clinical testing. Allele origin: germline.
Comment: Absent from controls (or at extremely low frequency if recessive) in Genome Aggregation Database.;Null variant in a gene where loss of function (LOF) is a known mechanism of disease.;For recessive disorders, detected in trans with a pathogenic variant.;Co-segregation with disease in multiple affected family members.;Patient's phenotype or family history is highly specific for a disease with a single genetic etiology.

Literature cited by the submitters: PubMed 39252126 (cited by Victorian Clinical Genetics Services, Murdoch Childrens Research Institute); PubMed 31067009 (cited by Victorian Clinical Genetics Services, Murdoch Childrens Research Institute and Labcorp Genetics (formerly Invitae), Labcorp); PubMed 33187827 (cited by Victorian Clinical Genetics Services, Murdoch Childrens Research Institute and Labcorp Genetics (formerly Invitae), Labcorp).